The following is an entry in ClinVar:

NM_002640.4(SERPINB8):c.866T>C (p.Ile289Thr)

Gene: SERPINB8 (serpin family B member 8; plus strand). Cytogenetic location: 18q22.1.
Variant type: single nucleotide variant.
Coding change: c.866T>C on transcript NM_002640.4 (MANE Select); coding-DNA position 866, T replaced by C.
Protein change: p.Ile289Thr; replaces isoleucine 289 with threonine.
Molecular consequence: missense variant. On other transcripts: 3 prime UTR variant (2), non-coding transcript variant (1), intron variant (1).
Genome position (GRCh38, 1-based): chr18:63,987,019, T>C. VCF-style: chr18-63987019-T-C. GRCh37 (hg19) VCF-style: chr18-61654253-T-C.
Other names: c.320T>C, p.Ile107Thr (NM_001276490.2); c.*33T>C (NM_001348368.2, NM_001348369.2); c.326T>C, p.Ile109Thr (NM_001348370.2); c.866T>C, p.Ile289Thr (NM_001366198.1, NM_198833.2); c.720+1774T>C (NM_001348367.2); short protein forms I107T, I109T, I289T.
Identifiers: ClinVar variation 2285243 (VCV002285243.3), dbSNP rs771466710, ClinGen allele CA8990881.

ClinVar aggregate classification (germline): Conflicting classifications of pathogenicity. Review status: criteria provided, conflicting classifications (1 of 4 stars). 2 submissions from 2 submitters: Uncertain significance (1); Likely benign (1). Last evaluated 2025-08-06.

Allele frequency attached by ClinVar (database versions not stated): gnomAD 0.00001; gnomAD exomes 0.00002; TOPMed 0.00003; ExAC 0.00004.
gnomAD v4.1: 15 of 1,614,074 alleles (0.00093%); highest among the groups gnomAD compares: Admixed American, 0.017%; no homozygotes.

Submissions (2):

Labcorp Genetics (formerly Invitae), Labcorp
Classification: Uncertain significance. Last evaluated: 2025-08-06. Review status: criteria provided, single submitter. Criteria: Invitae Variant Classification Sherloc (09022015). Collection method: clinical testing. Allele origin: germline.
Comment: This sequence change replaces isoleucine, which is neutral and non-polar, with threonine, which is neutral and polar, at codon 289 of the SERPINB8 protein (p.Ile289Thr). This variant is present in population databases (rs771466710, gnomAD 0.01%). This variant has not been reported in the literature in individuals affected with SERPINB8-related conditions. ClinVar contains an entry for this variant (Variation ID: 2285243). Invitae Evidence Modeling of protein sequence and biophysical properties (such as structural, functional, and spatial information, amino acid conservation, physicochemical variation, residue mobility, and thermodynamic stability) indicates that this missense variant is not expected to disrupt SERPINB8 protein function with a negative predictive value of 80%. In summary, the available evidence is currently insufficient to determine the role of this variant in disease. Therefore, it has been classified as a Variant of Uncertain Significance.

Ambry Genetics
Classification: Likely benign. Last evaluated: 2022-04-25. Review status: criteria provided, single submitter. Criteria: Ambry Variant Classification Scheme 2023. Collection method: clinical testing. Allele origin: germline.